The following is an entry in ClinVar:

ClinVar aggregate classification (germline): Likely benign (0 of 4 stars; one submission).

Conditions:
GIGYF2-related disorder. Also called: GIGYF2-related condition.

Allele frequency attached by ClinVar (database versions not stated): ExAC 0.00003; gnomAD 0.00003; gnomAD exomes 0.00005.
gnomAD v4.1: 81 of 1,613,504 alleles (0.005%); highest among the groups gnomAD compares: South Asian, 0.046%; no homozygotes.

Submission:

PreventionGenetics, part of Exact Sciences
Classification: Likely benign for GIGYF2-related condition. Last evaluated: 2019-06-24. Review status: no assertion criteria provided. Collection method: clinical testing. Allele origin: germline.
Comment: This variant is classified as likely benign based on ACMG/AMP sequence variant interpretation guidelines (Richards et al. 2015 PMID: 25741868, with internal and published modifications).

NM_001103146.3(GIGYF2):c.129C>T (p.Tyr43=)

Gene: GIGYF2 (GRB10 interacting GYF protein 2; plus strand). Cytogenetic location: 2q37.1.
Variant type: single nucleotide variant.
Coding change: c.129C>T on transcript NM_001103146.3 (MANE Select); coding-DNA position 129, C replaced by T.
Protein change: p.Tyr43=; no amino-acid change (tyrosine 43 retained).
Molecular consequence: synonymous variant. On other transcripts: non-coding transcript variant (1).
Genome position (GRCh38, 1-based): chr2:232,747,702, C>T. VCF-style: chr2-232747702-C-T. GRCh37 (hg19) VCF-style: chr2-233612412-C-T.
Other names: c.129C>T, p.Tyr43= (NM_001103147.2, NM_001103148.2, NM_015575.4).
Identifiers: ClinVar variation 3042568 (VCV003042568.2), dbSNP rs371272489, ClinGen allele CA2169766.
Genomic context (GRCh38, chr2:232,747,702, plus strand): 5'-TATTACATCCCCTCCTCTTTCTCCAGCATTGCCGAAGTATAAATTAGCAGATTATCGTTA[C>T]GGCAGAGAAGAAATGTTAGCACTTTTCCTTAAAGACAACAAGGTAAGAAAGTAGGAAAAG-3'
Protein context (NP_001096616.1, residues 33-53): LPKYKLADYR[Tyr43=]GREEMLALFL